The following is an entry in ClinVar:

ClinVar aggregate classification (somatic clinical impact): Tier II - Potential (1 of 4 stars; one submission).

Conditions:
Posterior fossa ependymoma. Identifiers: MedGen C5670542, MONDO:0850339.

Submission:

Institute for Genomic Medicine (IGM) Clinical Laboratory, Nationwide Children's Hospital
Classification: Tier II - Potential for Posterior fossa ependymoma. Assertion type: diagnostic. Clinical significance: supports diagnosis. Last evaluated: 2023-06-30. Review status: criteria provided, single submitter. Criteria: AMP/ASCO/CAP Guidelines, 2017. Collection method: clinical testing. Allele origin: somatic. Affected: yes.
Comment: Variant has Tier II (potential) clinical significance as a diagnostic inclusion criterion in posterior fossa ependymoma, based on the following evidence: 1) Documented in one or more cancer databases (e.g., St. Jude Pecan, COSMIC, CIViC, OncoKB). 2) Assists in diagnosis alone or along with other biomarkers based on small studies or few case reports (Evidence Level D; PMID: 33639927).

Literature cited by the submitters: PubMed 33639927.

NM_170606.3(KMT2C):c.596del (p.Arg199fs)

Gene: KMT2C (lysine methyltransferase 2C; minus strand). Cytogenetic location: 7q36.1.
Variant type: Deletion.
Coding change: c.596del on transcript NM_170606.3 (MANE Select); coding-DNA position 596, one base deleted (G; older notation c.596delG).
Protein change: p.Arg199fs; shifts the reading frame from arginine 199.
Molecular consequence: frameshift variant.
Genome position (GRCh38, 1-based): chr7:152,311,941, C deleted on the plus strand (G on the coding strand, the reverse complement: KMT2C is on the minus strand). VCF-style (leftmost placement, unchanged base first): chr7-152311940-TC-T. GRCh37 (hg19) VCF-style: chr7-152009025-TC-T.
Other names: short protein forms R199fs.
Identifiers: ClinVar variation 4530498 (VCV004530498.1).
Genomic context (GRCh38, chr7:152,311,940, plus strand): 5'-ATCATCTGAAGCTGTCTGGGTGCTTACACTTACACAAGATACTATATTCTGCTGAGGAGA[TC>T]GTTCTCTGAAAATAAAATAAAATAACTGTGAAAGTGAAAACAAGCAGAAAATTGTTTCAT-3'